The following is an entry in ClinVar:

NM_001395002.1(MAP4K4):c.2537C>T (p.Ser846Phe)

Genes: MAP4K4 (mitogen-activated protein kinase kinase kinase kinase 4; plus strand), LOC122817718 (Sharpr-MPRA regulatory region 3767; plus strand). Cytogenetic location: 2q11.2.
Variant type: single nucleotide variant.
Coding change: c.2537C>T on transcript NM_001395002.1 (MANE Select); coding-DNA position 2537, C replaced by T.
Protein change: p.Ser846Phe; replaces serine 846 with phenylalanine.
Molecular consequence: missense variant. On other transcripts: non-coding transcript variant (4).
Genome position (GRCh38, 1-based): chr2:101,869,695, C>T. VCF-style: chr2-101869695-C-T. GRCh37 (hg19) VCF-style: chr2-102486157-C-T.
Other names: c.2135C>T, p.Ser712Phe (NM_001384496.1); c.2528C>T, p.Ser843Phe (NM_001384497.1); c.2537C>T, p.Ser846Phe (NM_001384506.1); c.2306C>T, p.Ser769Phe (NM_001384507.1, NM_001384486.1); c.2369C>T, p.Ser790Phe (NM_001384508.1, NM_001384477.1); c.2270C>T, p.Ser757Phe (NM_001384509.1); c.2435C>T, p.Ser812Phe (NM_001384520.1); c.2444C>T, p.Ser815Phe (NM_001384543.1); and 31 more; short protein forms S674F, S675F, S681F, S683F, S684F, S703F, S711F, S712F.
Identifiers: ClinVar variation 4082926 (VCV004082926.1).
Genomic context (GRCh38, chr2:101,869,695, plus strand): 5'-TGGCCAAAGAGCTTCGAGCAGTGGAAGATGTACGGCCACCTCACAAAGTAACGGACTACT[C>T]CTCATCCAGTGAGGAGTCGGGGACGACGGATGAGGAGGACGACGATGTGGAGCAGGAAGG-3'
Protein context (NP_001381931.1, residues 836-856): VRPPHKVTDY[Ser846Phe]SSSEESGTTD

ClinVar aggregate classification (germline): Uncertain significance (1 of 4 stars; one submission).

Submission:

GeneDx
Classification: Uncertain significance. Last evaluated: 2025-03-05. Review status: criteria provided, single submitter. Criteria: GeneDx Variant Classification Process June 2021. Collection method: clinical testing. Allele origin: germline. Affected: yes.
Comment: Not observed at significant frequency in large population cohorts (gnomAD); In silico analysis supports that this missense variant has a deleterious effect on protein structure/function; Has not been previously published as pathogenic or benign to our knowledge